The following is an entry in ClinVar:

NM_001304569.2(PAX2):c.25+10G>A

Gene: PAX2 (paired box 2; plus strand). Cytogenetic location: 10q24.31.
Variant type: single nucleotide variant.
Coding change: c.25+10G>A on transcript NM_001304569.2; 10 bases into the intron after coding-DNA position 25, G replaced by A.
Molecular consequence: intron variant.
Genome position (GRCh38, 1-based): chr10:100,735,743, G>A. VCF-style: chr10-100735743-G-A. GRCh37 (hg19) VCF-style: chr10-102495500-G-A.
Other names: c.25+10G>A (NM_001374303.1).
Identifiers: ClinVar variation 4989173 (VCV004989173.1).
Genomic context (GRCh38, chr10:100,735,743, plus strand): 5'-GACGCGGCGGCCGCGGGGAGCCTAGCATGGAAGAGCGCGCGGGTCCGGCAGGTAAGAGCG[G>A]CAGAGACCCGTCCGCGCCGCAGGCGAGGACTAGGGGAGAGGGATGGGGGCGGCCATGGCC-3'

ClinVar aggregate classification (germline): Likely benign (1 of 4 stars; one submission).

Conditions:
PAX2-Related Disorder. Also called: PAX2-related disorders. Identifiers: MedGen CN381309.

Submission:

PreventionGenetics, part of Exact Sciences
Classification: Likely benign for PAX2-related condition. Last evaluated: 2025-03-10. Review status: criteria provided, single submitter. Criteria: ACMG Guidelines, 2015. Collection method: clinical testing. Allele origin: germline.
Comment: This variant is classified as likely benign based on ACMG/AMP sequence variant interpretation guidelines (Richards et al. 2015 PMID: 25741868, with internal and published modifications).